The following is an entry in ClinVar:

ClinVar aggregate classification (germline): Uncertain significance (1 of 4 stars; one submission).

gnomAD v4.1: 389 of 1,611,632 alleles (0.024%); highest among the groups gnomAD compares: Non-Finnish European, 0.032%; no homozygotes.

Submission:

Labcorp Genetics (formerly Invitae), Labcorp
Classification: Uncertain significance. Last evaluated: 2025-08-07. Review status: criteria provided, single submitter. Criteria: Invitae Variant Classification Sherloc (09022015). Collection method: clinical testing. Allele origin: germline.
Comment: This sequence change falls in intron 15 of the NUP133 gene. It does not directly change the encoded amino acid sequence of the NUP133 protein. It affects a nucleotide within the consensus splice site. This variant is present in population databases (rs368582822, gnomAD 0.02%). This variant has not been reported in the literature in individuals affected with NUP133-related conditions. Variants that disrupt the consensus splice site are a relatively common cause of aberrant splicing (PMID: 17576681, 9536098). Algorithms developed to predict the effect of sequence changes on RNA splicing suggest that this variant is not likely to affect RNA splicing. In summary, the available evidence is currently insufficient to determine the role of this variant in disease. Therefore, it has been classified as a Variant of Uncertain Significance.

Literature cited by the submitters: PubMed 17576681; PubMed 9536098.

NM_018230.3(NUP133):c.2076+5G>T

Gene: NUP133 (nucleoporin 133; minus strand). Cytogenetic location: 1q42.13.
Variant type: single nucleotide variant.
Coding change: c.2076+5G>T on transcript NM_018230.3 (MANE Select); 5 bases into the intron after coding-DNA position 2076, G replaced by T.
Molecular consequence: intron variant.
Genome position (GRCh38, 1-based): chr1:229,470,575, C>A on the plus strand (G>T on the coding strand, the complement: NUP133 is on the minus strand). VCF-style: chr1-229470575-C-A. GRCh37 (hg19) VCF-style: chr1-229606322-C-A.
Identifiers: ClinVar variation 4726826 (VCV004726826.1).